The following is an entry in ClinVar:

ClinVar aggregate classification (germline): Uncertain significance (1 of 4 stars; one submission).

Submission:

Labcorp Genetics (formerly Invitae), Labcorp
Classification: Uncertain significance. Last evaluated: 2022-07-14. Review status: criteria provided, single submitter. Criteria: Invitae Variant Classification Sherloc (09022015). Collection method: clinical testing. Allele origin: germline.
Comment: This sequence change replaces tyrosine, which is neutral and polar, with histidine, which is basic and polar, at codon 289 of the REPS1 protein (p.Tyr289His). This variant is not present in population databases (gnomAD no frequency). This variant has not been reported in the literature in individuals affected with REPS1-related conditions. Algorithms developed to predict the effect of missense changes on protein structure and function are either unavailable or do not agree on the potential impact of this missense change (SIFT: "Deleterious"; PolyPhen-2: "Probably Damaging"; Align-GVGD: "Class C0"). In summary, the available evidence is currently insufficient to determine the role of this variant in disease. Therefore, it has been classified as a Variant of Uncertain Significance.

NM_001286611.2(REPS1):c.865T>C (p.Tyr289His)

Gene: REPS1 (RALBP1 associated Eps domain containing 1; minus strand). Cytogenetic location: 6q24.1.
Variant type: single nucleotide variant.
Coding change: c.865T>C on transcript NM_001286611.2 (MANE Select); coding-DNA position 865, T replaced by C.
Protein change: p.Tyr289His; replaces tyrosine 289 with histidine.
Molecular consequence: missense variant.
Genome position (GRCh38, 1-based): chr6:138,943,904, A>G on the plus strand (T>C on the coding strand, the complement: REPS1 is on the minus strand). VCF-style: chr6-138943904-A-G. GRCh37 (hg19) VCF-style: chr6-139265041-A-G.
Other names: c.865T>C, p.Tyr289His (NM_001128617.3, NM_001286612.2, NM_031922.5); short protein forms Y289H.
Identifiers: ClinVar variation 2016973 (VCV002016973.4), dbSNP rs2483005858, ClinGen allele CA365813446.